The following is an entry in ClinVar:

ClinVar aggregate classification (germline): Likely benign. Review status: criteria provided, multiple submitters, no conflicts (2 of 4 stars). 3 submissions from 3 submitters: Likely benign (3). Last evaluated 2018-06-23.

Conditions:
Multiple endocrine neoplasia type 4. Also called: MULTIPLE ENDOCRINE NEOPLASIA, TYPE IV. Identifiers: Orphanet 276152, MedGen C1970712, MONDO:0012552, OMIM 610755.

Allele frequency attached by ClinVar (database versions not stated): 1000 Genomes Project 0.00220; TOPMed 0.00407; gnomAD 0.00565 and 0.00602; 1000 Genomes Project 30x 0.00203.

Submissions (3):

GeneDx
Classification: Likely benign. Last evaluated: 2018-06-23. Review status: criteria provided, single submitter. Criteria: GeneDx Variant Classification Process June 2021. Collection method: clinical testing. Allele origin: germline. Affected: yes.

Blueprint Genetics
Classification: Likely benign. Last evaluated: 2018-06-05. Review status: criteria provided, single submitter. Criteria: ACMG Guidelines, 2015. Collection method: clinical testing. Allele origin: germline.

Illumina Laboratory Services, Illumina
Classification: Likely benign for Multiple endocrine neoplasia type 4. Last evaluated: 2017-04-27. Review status: criteria provided, single submitter. Criteria: ICSL Variant Classification Criteria 13 December 2019. Collection method: clinical testing. Allele origin: germline.
Comment: This variant was observed as part of a predisposition screen in an ostensibly healthy population. A literature search was performed for the gene, cDNA change, and amino acid change (where applicable). Publications were found based on this search. The evidence from the literature, in combination with allele frequency data from public databases where available, was sufficient to determine this variant is unlikely to cause disease. Therefore, this variant is classified as likely benign.

Literature cited by the submitters: PubMed 20530095 (cited by Illumina Laboratory Services, Illumina).

NM_004064.5(CDKN1B):c.-202C>T

Gene: CDKN1B (cyclin dependent kinase inhibitor 1B; plus strand). Cytogenetic location: 12p13.1.
Variant type: single nucleotide variant.
Coding change: c.-202C>T on transcript NM_004064.5 (MANE Select); 202 bases upstream of the start codon, C replaced by T.
Molecular consequence: 5 prime UTR variant.
Genome position (GRCh38, 1-based): chr12:12,717,638, C>T. VCF-style: chr12-12717638-C-T. GRCh37 (hg19) VCF-style: chr12-12870572-C-T.
Identifiers: ClinVar variation 307656 (VCV000307656.9), dbSNP rs183710253, ClinGen allele CA10641333.